The following is an entry in ClinVar:

NM_032119.4(ADGRV1):c.14532G>T (p.Leu4844=)

Gene: ADGRV1 (adhesion G protein-coupled receptor V1; plus strand). Cytogenetic location: 5q14.3.
Variant type: single nucleotide variant.
Coding change: c.14532G>T on transcript NM_032119.4 (MANE Select); coding-DNA position 14532, G replaced by T.
Protein change: p.Leu4844=; no amino-acid change (leucine 4844 retained).
Molecular consequence: synonymous variant. On other transcripts: non-coding transcript variant (1).
Genome position (GRCh38, 1-based): chr5:90,802,753, G>T. VCF-style: chr5-90802753-G-T. GRCh37 (hg19) VCF-style: chr5-90098570-G-T.
Identifiers: ClinVar variation 178369 (VCV000178369.15), dbSNP rs367716487, ClinGen allele CA182196.

ClinVar aggregate classification (germline): Likely benign. Review status: criteria provided, multiple submitters, no conflicts (2 of 4 stars). 5 submissions from 5 submitters: Likely benign (5). Last evaluated 2025-11-28.

Conditions:
ADGRV1-related disorder. Also called: ADGRV1-related condition; ADGRV1-related disorders.

Allele frequency attached by ClinVar (database versions not stated): gnomAD exomes 0.00005 and 0.00002; ESP Exome Variant Server 0.00017; ExAC 0.00003; TOPMed 0.00003; gnomAD 0.00005.
gnomAD v4.1: 44 of 1,610,908 alleles (0.0027%); highest among the groups gnomAD compares: Non-Finnish European, 0.00076%; no homozygotes.

Submissions (5):

Labcorp Genetics (formerly Invitae), Labcorp
Classification: Likely benign. Last evaluated: 2025-11-28. Review status: criteria provided, single submitter. Criteria: Invitae Variant Classification Sherloc (09022015). Collection method: clinical testing. Allele origin: germline.

PreventionGenetics, part of Exact Sciences
Classification: Likely benign for ADGRV1-related condition. Last evaluated: 2025-09-15. Review status: criteria provided, single submitter. Criteria: ACMG Guidelines, 2015. Collection method: clinical testing. Allele origin: germline.
Comment: This variant is classified as likely benign based on ACMG/AMP sequence variant interpretation guidelines (Richards et al. 2015 PMID: 25741868, with internal and published modifications).

Blueprint Genetics
Classification: Likely benign. Last evaluated: 2024-05-28. Review status: criteria provided, single submitter. Criteria: ACMG Guidelines, 2015. Collection method: clinical testing. Allele origin: germline.

GeneDx
Classification: Likely benign. Last evaluated: 2020-11-03. Review status: criteria provided, single submitter. Criteria: GeneDx Variant Classification Process June 2021. Collection method: clinical testing. Allele origin: germline. Affected: yes.

Laboratory for Molecular Medicine, Mass General Brigham Personalized Medicine
Classification: Likely benign. Last evaluated: 2012-04-30. Review status: criteria provided, single submitter. Criteria: LMM Criteria. Collection method: clinical testing. Allele origin: germline. Observed: 1 variant allele.
Comment: Leu4844Leu in Exon 71 of GPR98: This variant is not expected to have clinical si gnificance because it does not alter an amino acid residue, is not located withi n the splice consensus sequence, and has been identified in 2/6626 European Amer ican chromosomes from a broad population by the NHLBI Exome Sequencing Project.